The following is an entry in ClinVar:

NM_004333.6(BRAF):c.1980C>G (p.Asn660Lys)

Gene: BRAF (B-Raf proto-oncogene, serine/threonine kinase; minus strand). Cytogenetic location: 7q34.
Variant type: single nucleotide variant.
Coding change: c.1980C>G on transcript NM_004333.6 (MANE Select); coding-DNA position 1980, C replaced by G.
Protein change: p.Asn660Lys; replaces asparagine 660 with lysine.
Molecular consequence: missense variant.
Genome position (GRCh38, 1-based): chr7:140,749,299, G>C on the plus strand (C>G on the coding strand, the complement: BRAF is on the minus strand). VCF-style: chr7-140749299-G-C. GRCh37 (hg19) VCF-style: chr7-140449099-G-C.
Other names: c.1980C>G, p.Asn660Lys (NM_001354609.2, NM_001378468.1, NM_001378474.1); c.2100C>G, p.Asn700Lys (NM_001374244.1, NM_001374258.1); c.1989C>G, p.Asn663Lys (NM_001378467.1); c.1914C>G, p.Asn638Lys (NM_001378469.1); c.1878C>G, p.Asn626Lys (NM_001378470.1); c.1869C>G, p.Asn623Lys (NM_001378471.1); c.1824C>G, p.Asn608Lys (NM_001378472.1, NM_001378473.1); c.1716C>G, p.Asn572Lys (NM_001378475.1); short protein forms N572K, N638K, N663K, N700K, N608K, N623K, N626K, N660K.
Identifiers: ClinVar variation 2817845 (VCV002817845.3), dbSNP rs1418834400, ClinGen allele CA369540429.

ClinVar aggregate classification (germline): Uncertain significance (1 of 4 stars; one submission).

Conditions:
RASopathy. Also called: Noonan spectrum disorder; rasopathies. Identifiers: Orphanet 536391, MedGen C5555857, MONDO:0021060.

Submission:

Labcorp Genetics (formerly Invitae), Labcorp
Classification: Uncertain significance for RASopathy. Last evaluated: 2024-10-18. Review status: criteria provided, single submitter. Criteria: Invitae Variant Classification Sherloc (09022015). Collection method: clinical testing. Allele origin: germline.
Comment: This sequence change replaces asparagine, which is neutral and polar, with lysine, which is basic and polar, at codon 660 of the BRAF protein (p.Asn660Lys). This variant is not present in population databases (gnomAD no frequency). This variant has not been reported in the literature in individuals affected with BRAF-related conditions. Invitae Evidence Modeling of protein sequence and biophysical properties (such as structural, functional, and spatial information, amino acid conservation, physicochemical variation, residue mobility, and thermodynamic stability) indicates that this missense variant is not expected to disrupt BRAF protein function with a negative predictive value of 80%. In summary, the available evidence is currently insufficient to determine the role of this variant in disease. Therefore, it has been classified as a Variant of Uncertain Significance.